The following is an entry in ClinVar:

NM_173630.4(RTTN):c.1351T>G (p.Cys451Gly)

Gene: RTTN (rotatin; minus strand). Cytogenetic location: 18q22.2.
Variant type: single nucleotide variant.
Coding change: c.1351T>G on transcript NM_173630.4 (MANE Select); coding-DNA position 1351, T replaced by G.
Protein change: p.Cys451Gly; replaces cysteine 451 with glycine.
Molecular consequence: missense variant. On other transcripts: 5 prime UTR variant (1).
Genome position (GRCh38, 1-based): chr18:70,176,800, A>C on the plus strand (T>G on the coding strand, the complement: RTTN is on the minus strand). VCF-style: chr18-70176800-A-C. GRCh37 (hg19) VCF-style: chr18-67844036-A-C.
Other names: c.-1203T>G (NM_001318520.2); short protein forms C451G.
Identifiers: ClinVar variation 2109630 (VCV002109630.4), dbSNP rs371250250, ClinGen allele CA8996199.

ClinVar aggregate classification (germline): Uncertain significance (1 of 4 stars; one submission).

gnomAD v4.1: 37 of 1,614,032 alleles (0.0023%); highest among the groups gnomAD compares: Non-Finnish European, 0.0031%; no homozygotes.

Submission:

Labcorp Genetics (formerly Invitae), Labcorp
Classification: Uncertain significance. Last evaluated: 2022-03-20. Review status: criteria provided, single submitter. Criteria: Invitae Variant Classification Sherloc (09022015). Collection method: clinical testing. Allele origin: germline.
Comment: In summary, the available evidence is currently insufficient to determine the role of this variant in disease. Therefore, it has been classified as a Variant of Uncertain Significance. Algorithms developed to predict the effect of missense changes on protein structure and function (SIFT, PolyPhen-2, Align-GVGD) all suggest that this variant is likely to be tolerated. This variant has not been reported in the literature in individuals affected with RTTN-related conditions. This variant is present in population databases (rs371250250, gnomAD 0.002%). This sequence change replaces cysteine, which is neutral and slightly polar, with glycine, which is neutral and non-polar, at codon 451 of the RTTN protein (p.Cys451Gly).